The following is an entry in ClinVar:

NM_000051.4(ATM):c.3492T>C (p.Cys1164=)

Gene: ATM (ATM serine/threonine kinase; plus strand). Cytogenetic location: 11q22.3.
Variant type: single nucleotide variant.
Coding change: c.3492T>C on transcript NM_000051.4 (MANE Select); coding-DNA position 3492, T replaced by C.
Protein change: p.Cys1164=; no amino-acid change (cysteine 1164 retained).
Molecular consequence: synonymous variant.
Genome position (GRCh38, 1-based): chr11:108,281,084, T>C. VCF-style: chr11-108281084-T-C. GRCh37 (hg19) VCF-style: chr11-108151811-T-C.
Other names: c.3492T>C, p.Cys1164= (NM_001351834.2).
Identifiers: ClinVar variation 3254493 (VCV003254493.1), dbSNP rs2135667988.
Genomic context (GRCh38, chr11:108,281,084, plus strand): 5'-GGATGAAATTTATAATAGAAAATCTGTTTTACTGACGTTGATAGCTGTGGTTTTATCCTG[T>C]AGCCCTATCTGCGAAAAACAGGCTTTGTTTGCCCTGTGTAAATCTGTGAAAGAGAATGGA-3'
Protein context (NP_000042.3, residues 1154-1174): LLTLIAVVLS[Cys1164=]SPICEKQALF

ClinVar aggregate classification (germline): Benign (1 of 4 stars; one submission).

Conditions:
Familial cancer of breast. Also called: BREAST CANCER, FAMILIAL; Hereditary breast cancer; hereditary breast carcinoma. Identifiers: Orphanet 227535, MedGen C0346153, MONDO:0016419, OMIM 114480. Disease mechanism: loss of function.

Submission:

Myriad Genetics, Inc.
Classification: Benign for Familial cancer of breast. Last evaluated: 2024-05-14. Review status: criteria provided, single submitter. Criteria: Myriad Autosomal Dominant, Autosomal Recessive and X-Linked Classification Criteria (2023). Collection method: clinical testing. Allele origin: unknown.
Comment: This variant is considered benign. This variant is a silent/synonymous amino acid change and it is not expected to impact splicing.